The following is an entry in ClinVar:

NM_018979.4(WNK1):c.217A>G (p.Thr73Ala)

Gene: WNK1 (WNK lysine deficient protein kinase 1; plus strand). Cytogenetic location: 12p13.33.
Variant type: single nucleotide variant.
Coding change: c.217A>G on transcript NM_018979.4 (MANE Select); coding-DNA position 217, A replaced by G.
Protein change: p.Thr73Ala; replaces threonine 73 with alanine.
Molecular consequence: missense variant.
Genome position (GRCh38, 1-based): chr12:753,782, A>G. VCF-style: chr12-753782-A-G. GRCh37 (hg19) VCF-style: chr12-862948-A-G.
Other names: c.217A>G, p.Thr73Ala (NM_001184985.2, NM_014823.3, NM_213655.5); short protein forms T73A.
Identifiers: ClinVar variation 471173 (VCV000471173.9), dbSNP rs1038270127, ClinGen allele CA231463828.

ClinVar aggregate classification (germline): Uncertain significance. Review status: criteria provided, multiple submitters, no conflicts (2 of 4 stars). 2 submissions from 2 submitters: Uncertain significance (2). Last evaluated 2024-06-14.

Conditions:
Neuropathy, hereditary sensory and autonomic, type 2A (HSAN2A). Also called: HSAN IIA; WNK1-Related HSAN2 (HSAN2A); ACROOSTEOLYSIS, GIACCAI TYPE; ACROOSTEOLYSIS, NEUROGENIC; MORVAN DISEASE; NEUROPATHY, CONGENITAL SENSORY. Identifiers: Orphanet 970, MedGen C2752089, MONDO:0024309, OMIM 201300.
Pseudohypoaldosteronism type 2C (PHA2C). Also called: Pseudohypoaldosteronism Type IIC. Identifiers: Orphanet 757, Orphanet 88940, MedGen C1840391, MONDO:0013778, OMIM 614492.

Allele frequency attached by ClinVar (database versions not stated): gnomAD 0.00003 and 0.00004; gnomAD exomes below 0.00001; TOPMed 0.00002.
gnomAD v4.1: 6 of 1,612,332 alleles (0.00037%); highest among the groups gnomAD compares: African/African-American, 0.008%; no homozygotes.

Submissions (2):

Fulgent Genetics
Classification: Uncertain significance for Neuropathy, hereditary sensory and autonomic, type 2A; Pseudohypoaldosteronism type 2C. Last evaluated: 2024-06-14. Review status: criteria provided, single submitter. Criteria: ACMG Guidelines, 2015. Collection method: clinical testing. Allele origin: germline.

Labcorp Genetics (formerly Invitae), Labcorp
Classification: Uncertain significance for Neuropathy, hereditary sensory and autonomic, type 2A; Pseudohypoaldosteronism type 2C. Last evaluated: 2023-05-22. Review status: criteria provided, single submitter. Criteria: Invitae Variant Classification Sherloc (09022015). Collection method: clinical testing. Allele origin: germline.
Comment: In summary, the available evidence is currently insufficient to determine the role of this variant in disease. Therefore, it has been classified as a Variant of Uncertain Significance. Advanced modeling of protein sequence and biophysical properties (such as structural, functional, and spatial information, amino acid conservation, physicochemical variation, residue mobility, and thermodynamic stability) performed at Invitae indicates that this missense variant is not expected to disrupt WNK1 protein function. ClinVar contains an entry for this variant (Variation ID: 471173). This variant has not been reported in the literature in individuals affected with WNK1-related conditions. This variant is present in population databases (no rsID available, gnomAD 0.007%). This sequence change replaces threonine, which is neutral and polar, with alanine, which is neutral and non-polar, at codon 73 of the WNK1 protein (p.Thr73Ala).